The following is an entry in ClinVar:

NM_002640.4(SERPINB8):c.355T>A (p.Leu119Met)

Gene: SERPINB8 (serpin family B member 8; plus strand). Cytogenetic location: 18q22.1.
Variant type: single nucleotide variant.
Coding change: c.355T>A on transcript NM_002640.4 (MANE Select); coding-DNA position 355, T replaced by A.
Protein change: p.Leu119Met; replaces leucine 119 with methionine.
Molecular consequence: missense variant. On other transcripts: 5 prime UTR variant (2), non-coding transcript variant (1).
Genome position (GRCh38, 1-based): chr18:63,981,769, T>A. VCF-style: chr18-63981769-T-A. GRCh37 (hg19) VCF-style: chr18-61649003-T-A.
Other names: c.355T>A, p.Leu119Met (NM_001031848.2, NM_001348367.2, NM_001348368.2 and 3 more transcripts); c.-192T>A (NM_001276490.2); c.-43T>A (NM_001348370.2); short protein forms L119M.
Identifiers: ClinVar variation 2167824 (VCV002167824.4), dbSNP rs202188705, ClinGen allele CA8990690.

ClinVar aggregate classification (germline): Uncertain significance (1 of 4 stars; one submission).

Allele frequency attached by ClinVar (database versions not stated): ExAC 0.00015; 1000 Genomes Project 30x 0.00016; 1000 Genomes Project 0.00020.
gnomAD v4.1: 141 of 1,613,666 alleles (0.0087%); highest among the groups gnomAD compares: South Asian, 0.1%; 2 homozygotes.

Submission:

Labcorp Genetics (formerly Invitae), Labcorp
Classification: Uncertain significance. Last evaluated: 2022-09-13. Review status: criteria provided, single submitter. Criteria: Invitae Variant Classification Sherloc (09022015). Collection method: clinical testing. Allele origin: germline.
Comment: In summary, the available evidence is currently insufficient to determine the role of this variant in disease. Therefore, it has been classified as a Variant of Uncertain Significance. This sequence change replaces leucine, which is neutral and non-polar, with methionine, which is neutral and non-polar, at codon 119 of the SERPINB8 protein (p.Leu119Met). The frequency data for this variant in the population databases is considered unreliable, as metrics indicate poor data quality at this position in the gnomAD database. This variant has not been reported in the literature in individuals affected with SERPINB8-related conditions. Advanced modeling of protein sequence and biophysical properties (such as structural, functional, and spatial information, amino acid conservation, physicochemical variation, residue mobility, and thermodynamic stability) has been performed at Invitae for this missense variant, however the output from this modeling did not meet the statistical confidence thresholds required to predict the impact of this variant on SERPINB8 protein function.